The following is an entry in ClinVar:

ClinVar aggregate classification (germline): Uncertain significance (1 of 4 stars; one submission).

Conditions:
Brain malformations with or without urinary tract defects. Also called: Brain malformations and urinary tract defects. Identifiers: MedGen C4478940, MONDO:0100478, OMIM 613735.

Submission:

Institute of Human Genetics, University of Leipzig Medical Center
Classification: Uncertain significance for Brain malformations with or without urinary tract defects. Last evaluated: 2023-03-06. Review status: criteria provided, single submitter. Criteria: ACMG Guidelines, 2015. Collection method: clinical testing. Allele origin: unknown. Affected: yes.
Comment: _x000D_ Criteria applied: PVS1_MOD, PS1_MOD, PM2_SUP

NM_001134673.4(NFIA):c.1A>C (p.Met1Leu)

Gene: NFIA (nuclear factor I A; plus strand). Cytogenetic location: 1p31.3.
Variant type: single nucleotide variant.
Coding change: c.1A>C on transcript NM_001134673.4 (MANE Select); coding-DNA position 1, A replaced by C.
Protein change: p.Met1Leu; changes the start codon (methionine 1).
Molecular consequence: missense variant, initiator codon variant. On other transcripts: intron variant (1).
Genome position (GRCh38, 1-based): chr1:61,082,792, A>C. VCF-style: chr1-61082792-A-C. GRCh37 (hg19) VCF-style: chr1-61548464-A-C.
Other names: c.136A>C, p.Met46Leu (NM_001145512.2); c.1A>C, p.Met1Leu (NM_005595.5); c.3+5164A>C (NM_001145511.2); short protein forms M1L, M46L.
Identifiers: ClinVar variation 2500353 (VCV002500353.2), dbSNP rs1399277784, ClinGen allele CA340586038.